The following is an entry in ClinVar:

ClinVar aggregate classification (germline): Likely benign. Review status: criteria provided, multiple submitters, no conflicts (2 of 4 stars). 3 submissions from 3 submitters: Likely benign (2). 1 of the submissions does not count toward it. Last evaluated 2021-09-21.

Conditions:
Smith-Lemli-Opitz syndrome (SLOS). Also called: POLYDACTYLY, SEX REVERSAL, RENAL HYPOPLASIA, AND UNILOBAR LUNG; RSH SYNDROME; RUTLEDGE LETHAL MULTIPLE CONGENITAL ANOMALY SYNDROME; 7-Dehydrocholesterol reductase deficiency; LETHAL ACRODYSGENITAL SYNDROME. Identifiers: Orphanet 818, MedGen C0175694, MONDO:0010035, OMIM 270400.

Allele frequency attached by ClinVar (database versions not stated): gnomAD exomes below 0.00001 and 0.00001; gnomAD 0.00001; ExAC 0.00002; TOPMed 0.00002.
gnomAD v4.1: 9 of 1,614,052 alleles (0.00056%); highest among the groups gnomAD compares: African/African-American, 0.0053%; no homozygotes.

Submissions (3):

Labcorp Genetics (formerly Invitae), Labcorp
Classification: Likely benign for Smith-Lemli-Opitz syndrome. Last evaluated: 2021-09-21. Review status: criteria provided, single submitter. Criteria: Invitae Variant Classification Sherloc (09022015). Collection method: clinical testing. Allele origin: germline.

Women's Health and Genetics/Laboratory Corporation of America, LabCorp
Classification: Likely benign. Last evaluated: 2021-06-28. Review status: criteria provided, single submitter. Criteria: LabCorp Variant Classification Summary - May 2015. Collection method: clinical testing. Allele origin: germline.
Comment: Variant summary: DHCR7 c.51C>T alters a non-conserved nucleotide resulting in a synonymous change. 4/4 computational tools predict no significant impact on normal splicing. However, these predictions have yet to be confirmed by functional studies. The variant allele was found at a frequency of 8e-06 in 251496 control chromosomes. The available data on variant occurrences in the general population are insufficient to allow any conclusion about variant significance. To our knowledge, no occurrence of c.51C>T in individuals affected with Smith-Lemli-Opitz Syndrome and no experimental evidence demonstrating its impact on protein function have been reported. Two clinical diagnostic laboratories have submitted clinical-significance assessments for this variant to ClinVar after 2014 without evidence for independent evaluation. One laboratory classified the variant as benign/likely benign, and one laboratory classified the variant as uncertain significance. Based on the evidence outlined above, the variant was classified as likely benign.

Natera, Inc.
Classification: Uncertain significance for Smith-Lemli-Opitz syndrome. Last evaluated: 2020-04-16. Review status: no assertion criteria provided. Collection method: clinical testing. Allele origin: germline. Not counted in ClinVar's aggregate classification.

NM_001360.3(DHCR7):c.51C>T (p.Gly17=)

Gene: DHCR7 (7-dehydrocholesterol reductase; minus strand). Cytogenetic location: 11q13.4.
Variant type: single nucleotide variant.
Coding change: c.51C>T on transcript NM_001360.3 (MANE Select); coding-DNA position 51, C replaced by T.
Protein change: p.Gly17=; no amino-acid change (glycine 17 retained).
Molecular consequence: synonymous variant.
Genome position (GRCh38, 1-based): chr11:71,444,902, G>A on the plus strand (C>T on the coding strand, the complement: DHCR7 is on the minus strand). VCF-style: chr11-71444902-G-A. GRCh37 (hg19) VCF-style: chr11-71155948-G-A.
Other names: c.51C>T, p.Gly17= (NM_001163817.2).
Identifiers: ClinVar variation 990556 (VCV000990556.10), dbSNP rs776713087, ClinGen allele CA6162722.
Genomic context (GRCh38, chr11:71,444,902, plus strand): 5'-GCAAGATCCTTACCAGGCACGGCCCCACTGCCCTTGAGATGCGGTTCTGTCATTGGTGAC[G>A]CCATCTAGACTCTTGGCTTTGGGAATGTTGGGTTGCGATTTTGCAGCCATTGGGCCCTGC-3'
Protein context (NP_001351.2, residues 7-27): PNIPKAKSLD[Gly17=]VTNDRTASQG